The following is an entry in ClinVar:

ClinVar aggregate classification (germline): Pathogenic/Likely pathogenic. Review status: criteria provided, multiple submitters, no conflicts (2 of 4 stars). 2 submissions from 2 submitters: Pathogenic (1); Likely pathogenic (1). Last evaluated 2021-12-24.

Conditions:
Diastrophic dysplasia (DTD). Also called: Diastrophic dwarfism. Identifiers: Orphanet 628, MedGen C0220726, MONDO:0009107, OMIM 222600.
Achondrogenesis, type IB (ACG1B). Also called: Achondrogenesis Type 1B. Identifiers: Orphanet 932, Orphanet 93298, MedGen C0265274, MONDO:0010966, OMIM 600972.
Multiple epiphyseal dysplasia type 4 (EDM4). Also called: Multiple Epiphyseal Dysplasia, Recessive; MULTIPLE EPIPHYSEAL DYSPLASIA WITH BILAYERED PATELLAE; MULTIPLE EPIPHYSEAL DYSPLASIA WITH CLUBFOOT; MULTIPLE EPIPHYSEAL DYSPLASIA, AUTOSOMAL RECESSIVE; SLC26A2-Related Multiple Epiphyseal Dysplasia. Identifiers: Orphanet 93307, MedGen C1847593, MONDO:0009189, OMIM 226900.
Atelosteogenesis type II (AO2). Also called: SLC26A2-Related Atelosteogenesis; NEONATAL OSSEOUS DYSPLASIA I; Neonatal osseous dysplasia 1. Identifiers: Orphanet 56304, MedGen C1850554, MONDO:0009727, OMIM 256050.
Connective tissue disorder. Also called: Connective tissue disease. Identifiers: MedGen C0009782, MONDO:0003900.

Submissions (2):

Labcorp Genetics (formerly Invitae), Labcorp
Classification: Pathogenic for Atelosteogenesis type II; Multiple epiphyseal dysplasia type 4; Achondrogenesis, type IB; Diastrophic dysplasia. Last evaluated: 2021-12-24. Review status: criteria provided, single submitter. Criteria: Invitae Variant Classification Sherloc (09022015). Collection method: clinical testing. Allele origin: germline.
Comment: For these reasons, this variant has been classified as Pathogenic. This variant disrupts a region of the SLC26A2 protein in which other variant(s) (p.Ala715Val) have been determined to be pathogenic (PMID: 8571951, 11448940, 15294877, 21077204, 21922596). This suggests that this is a clinically significant region of the protein, and that variants that disrupt it are likely to be disease-causing. This variant has not been reported in the literature in individuals affected with SLC26A2-related conditions. This variant is not present in population databases (gnomAD no frequency). This sequence change creates a premature translational stop signal (p.Lys497Alafs*2) in the SLC26A2 gene. While this is not anticipated to result in nonsense mediated decay, it is expected to disrupt the last 243 amino acid(s) of the SLC26A2 protein.

Genome Diagnostics Laboratory, The Hospital for Sick Children
Classification: Likely pathogenic for Connective tissue disorder. Last evaluated: 2021-12-20. Review status: criteria provided, single submitter. Criteria: ACMG Guidelines, 2015. Collection method: clinical testing. Allele origin: germline.

Literature cited by the submitters: PubMed 8571951 (cited by Labcorp Genetics (formerly Invitae), Labcorp); PubMed 11448940 (cited by Labcorp Genetics (formerly Invitae), Labcorp); PubMed 15294877 (cited by Labcorp Genetics (formerly Invitae), Labcorp); PubMed 21077204 (cited by Labcorp Genetics (formerly Invitae), Labcorp); PubMed 21922596 (cited by Labcorp Genetics (formerly Invitae), Labcorp).

NM_000112.4(SLC26A2):c.1487_1488insGGCG (p.Lys497fs)

Gene: SLC26A2 (solute carrier family 26 member 2; plus strand). Cytogenetic location: 5q32.
Variant type: Insertion.
Coding change: c.1487_1488insGGCG on transcript NM_000112.4 (MANE Select); coding-DNA positions 1487 to 1488, GGCG inserted.
Protein change: p.Lys497fs; shifts the reading frame from lysine 497.
Molecular consequence: frameshift variant.
Genome position: GRCh38 VCF-style: chr5-149981078-T-TCGGG. GRCh37 (hg19) VCF-style: chr5-149360641-T-TCGGG.
Other names: short protein forms K497fs.
Identifiers: ClinVar variation 1702483 (VCV001702483.8), dbSNP rs2113698812, ClinGen allele CA2580073922.
Genomic context (GRCh38, chr5:149,981,078, plus strand): 5'-CTATTCCCTTCAAAAAAGTGTCCTTGGTGTGATCACAATTGTAAATCTACGGGGAGCCCT[T>TCGGG]CGTAAATTTAGGGATCTTCCCAAAATGTGGAGTATTAGTAGAATGGATACAGTTATCTGG-3'